The following is an entry in ClinVar:

NM_001367561.1(DOCK7):c.4394T>C (p.Ile1465Thr)

Gene: DOCK7 (dedicator of cytokinesis 7; minus strand). Cytogenetic location: 1p31.3.
Variant type: single nucleotide variant.
Coding change: c.4394T>C on transcript NM_001367561.1 (MANE Select); coding-DNA position 4394, T replaced by C.
Protein change: p.Ile1465Thr; replaces isoleucine 1465 with threonine.
Molecular consequence: missense variant.
Genome position (GRCh38, 1-based): chr1:62,508,044, A>G on the plus strand (T>C on the coding strand, the complement: DOCK7 is on the minus strand). VCF-style: chr1-62508044-A-G. GRCh37 (hg19) VCF-style: chr1-62973715-A-G.
Other names: c.4367T>C, p.Ile1456Thr (NM_001271999.2, NM_001330614.2); c.4274T>C, p.Ile1425Thr (NM_001272000.2, NM_001272001.2); c.4301T>C, p.Ile1434Thr (NM_033407.4); c.4301T>C (NM_033407.2); short protein forms I1425T, I1434T, I1456T, I1465T.
Identifiers: ClinVar variation 1019395 (VCV001019395.11), dbSNP rs1280481112, ClinGen allele CA340621682.

ClinVar aggregate classification (germline): Uncertain significance. Review status: criteria provided, multiple submitters, no conflicts (2 of 4 stars). 3 submissions from 3 submitters: Uncertain significance (3). Last evaluated 2023-04-11.

Conditions:
Inborn genetic diseases. Identifiers: MedGen C0950123, MeSH D030342.
Developmental and epileptic encephalopathy, 23 (DEE23). Also called: Epileptic encephalopathy, early infantile, 23. Identifiers: Orphanet 411986, MedGen C4014492, MONDO:0014371, OMIM 615859.

Allele frequency attached by ClinVar (database versions not stated): gnomAD exomes below 0.00001.
gnomAD v4.1: 1 of 1,609,382 alleles (0.000062%); highest among the groups gnomAD compares: Non-Finnish European, 0.000085%; no homozygotes.

Submissions (3):

Genome-Nilou Lab
Classification: Uncertain significance for Developmental and epileptic encephalopathy, 23. Last evaluated: 2023-04-11. Review status: criteria provided, single submitter. Criteria: ACMG Guidelines, 2015. Collection method: clinical testing. Allele origin: germline. Affected: no.

Ambry Genetics
Classification: Uncertain significance for Inborn genetic diseases. Last evaluated: 2022-02-17. Review status: criteria provided, single submitter. Criteria: Ambry Variant Classification Scheme 2023. Collection method: clinical testing. Allele origin: germline.

Labcorp Genetics (formerly Invitae), Labcorp
Classification: Uncertain significance for Developmental and epileptic encephalopathy, 23. Last evaluated: 2020-05-12. Review status: criteria provided, single submitter. Criteria: Invitae Variant Classification Sherloc (09022015). Collection method: clinical testing. Allele origin: germline.
Comment: This variant has not been reported in the literature in individuals with DOCK7-related conditions. In summary, the available evidence is currently insufficient to determine the role of this variant in disease. Therefore, it has been classified as a Variant of Uncertain Significance. Algorithms developed to predict the effect of missense changes on protein structure and function are either unavailable or do not agree on the potential impact of this missense change (SIFT: "Deleterious"; PolyPhen-2: "Benign"; Align-GVGD: "Class C0"). This variant is not present in population databases (ExAC no frequency). This sequence change replaces isoleucine with threonine at codon 1456 of the DOCK7 protein (p.Ile1456Thr). The isoleucine residue is moderately conserved and there is a moderate physicochemical difference between isoleucine and threonine.